The following is an entry in ClinVar:

NM_006660.5(CLPX):c.748G>A (p.Gly250Ser)

Gene: CLPX (caseinolytic mitochondrial matrix peptidase chaperone subunit X; minus strand). Cytogenetic location: 15q22.31.
Variant type: single nucleotide variant.
Coding change: c.748G>A on transcript NM_006660.5 (MANE Select); coding-DNA position 748, G replaced by A.
Protein change: p.Gly250Ser; replaces glycine 250 with serine.
Molecular consequence: missense variant. On other transcripts: non-coding transcript variant (1).
Genome position (GRCh38, 1-based): chr15:65,158,719, C>T on the plus strand (G>A on the coding strand, the complement: CLPX is on the minus strand). VCF-style: chr15-65158719-C-T. GRCh37 (hg19) VCF-style: chr15-65451057-C-T.
Other names: p.Gly250Ser; c.748G>A (NM_006660.4); short protein forms G250S.
Identifiers: ClinVar variation 1600204 (VCV001600204.12), dbSNP rs117517219, ClinGen allele CA7614799.

ClinVar aggregate classification (germline): Benign/Likely benign. Review status: criteria provided, multiple submitters, no conflicts (2 of 4 stars). 4 submissions from 4 submitters: Benign (2); Likely benign (1). 1 of the submissions does not count toward it. Last evaluated 2026-01-22.

Conditions:
CLPX-related disorder. Also called: CLPX-related condition.

Allele frequency attached by ClinVar (database versions not stated): 1000 Genomes Project 0.00100; 1000 Genomes Project 30x 0.00156; ExAC 0.00226; gnomAD exomes 0.00246 and 0.00462; gnomAD 0.00251 and 0.00260; TOPMed 0.00270; ESP Exome Variant Server 0.00300.
gnomAD v4.1: 6,985 of 1,605,000 alleles (0.44%); highest among the groups gnomAD compares: Non-Finnish European, 0.56%; 26 homozygotes.

Submissions (4):

Labcorp Genetics (formerly Invitae), Labcorp
Classification: Benign. Last evaluated: 2026-01-22. Review status: criteria provided, single submitter. Criteria: Invitae Variant Classification Sherloc (09022015). Collection method: clinical testing. Allele origin: germline.

Mayo Clinic Laboratories, Mayo Clinic
Classification: Likely benign. Last evaluated: 2025-11-17. Review status: criteria provided, single submitter. Criteria: ACMG Guidelines, 2015. Collection method: clinical testing. Allele origin: germline. Observed: 6 variant alleles.
Comment: BS2, BP4_moderate

Breakthrough Genomics
Classification: Benign. Review status: criteria provided, single submitter. Criteria: ACMG Guidelines, 2015. Collection method: not provided. Allele origin: germline. Inheritance: Autosomal dominant inheritance. Affected: yes.

PreventionGenetics, part of Exact Sciences
Classification: Benign for CLPX-related condition. Last evaluated: 2019-12-12. Review status: no assertion criteria provided. Collection method: clinical testing. Allele origin: germline. Not counted in ClinVar's aggregate classification.
Comment: This variant is classified as benign based on ACMG/AMP sequence variant interpretation guidelines (Richards et al. 2015 PMID: 25741868, with internal and published modifications).